The following is an entry in ClinVar:

ClinVar aggregate classification (germline): Conflicting classifications of pathogenicity. Review status: criteria provided, conflicting classifications (1 of 4 stars). 6 submissions from 6 submitters: Uncertain significance (1); Likely benign (3). 2 of the submissions do not count toward it. Last evaluated 2025-11-23.

Conditions:
TTN-related disorder. Also called: TTN-related disorders; TTN-related condition; TTN-related disease.
Dilated cardiomyopathy 1G (CMD1G). Identifiers: Orphanet 154, MedGen C1858763, MONDO:0011400, OMIM 604145.
Autosomal recessive limb-girdle muscular dystrophy type 2J (LGMDR10). Also called: Limb-girdle muscular dystrophy, type 2J; MUSCULAR DYSTROPHY, LIMB-GIRDLE, AUTOSOMAL RECESSIVE 10. Identifiers: Orphanet 140922, MedGen C1837342, MONDO:0012127, OMIM 608807.

Allele frequency attached by ClinVar (database versions not stated): gnomAD 0.00011 and 0.00004; gnomAD exomes 0.00016 and 0.00009; ExAC 0.00019; 1000 Genomes Project 30x 0.00062; 1000 Genomes Project 0.00080; TOPMed 0.00003.
gnomAD v4.1: 154 of 1,613,798 alleles (0.0095%); highest among the groups gnomAD compares: South Asian, 0.13%; 3 homozygotes.

Submissions (6):

Labcorp Genetics (formerly Invitae), Labcorp
Classification: Likely benign for Dilated cardiomyopathy 1G; Autosomal recessive limb-girdle muscular dystrophy type 2J. Last evaluated: 2025-11-23. Review status: criteria provided, single submitter. Criteria: Invitae Variant Classification Sherloc (09022015). Collection method: clinical testing. Allele origin: germline.

PreventionGenetics, part of Exact Sciences
Classification: Likely benign for TTN-related condition. Last evaluated: 2025-07-23. Review status: criteria provided, single submitter. Criteria: ACMG Guidelines, 2015. Collection method: clinical testing. Allele origin: germline.
Comment: This variant is classified as likely benign based on ACMG/AMP sequence variant interpretation guidelines (Richards et al. 2015 PMID: 25741868, with internal and published modifications).

Women's Health and Genetics/Laboratory Corporation of America, LabCorp
Classification: Likely benign. Last evaluated: 2025-01-31. Review status: criteria provided, single submitter. Criteria: LabCorp Variant Classification Summary - May 2015. Collection method: clinical testing. Allele origin: germline.
Comment: Variant summary: TTN c.10303+2574T>C is located at a position not widely known to affect splicing. This variant corresponds to c.11066T>C (p.Ile3689Thr) in NM_001267550. Consensus agreement among computation tools predict no significant impact on normal splicing. However, these predictions have yet to be confirmed by functional studies. The variant allele was found at a frequency of 9.5e-05 in 1613798 control chromosomes, predominantly at a frequency of 0.0013 within the South Asian subpopulation in the gnomAD database, including 3 homozygotes. The observed variant frequency within South Asian control individuals in the gnomAD database is approximately 3 - fold of the estimated maximal expected allele frequency for a pathogenic variant in TTN causing dilated cardiomyopathy phenotype (0.00039). To our knowledge, no occurrence of c.10303+2574T>C in individuals affected with dilated cardiomyopathy and no experimental evidence demonstrating its impact on protein function have been reported. ClinVar contains an entry for this variant (Variation ID: 535111). Based on the evidence outlined above, the variant was classified as likely benign.

CeGaT Center for Human Genetics Tuebingen
Classification: Uncertain significance. Last evaluated: 2024-03-01. Review status: criteria provided, single submitter. Criteria: CeGaT Center For Human Genetics Tuebingen Variant Classification Criteria Version 2. Collection method: clinical testing. Allele origin: germline. Affected: yes. Observed: 1 variant allele.

Clinical Genetics DNA and cytogenetics Diagnostics Lab, Erasmus MC, Erasmus Medical Center
Classification: Likely benign. Review status: no assertion criteria provided. Collection method: clinical testing. Allele origin: germline. Affected: yes. Study: VKGL Data-share Consensus. Not counted in ClinVar's aggregate classification.

Genome Diagnostics Laboratory, University Medical Center Utrecht
Classification: Likely benign. Review status: no assertion criteria provided. Collection method: clinical testing. Allele origin: germline. Affected: yes. Study: VKGL Data-share Consensus. Not counted in ClinVar's aggregate classification.

NM_001267550.2(TTN):c.11066T>C (p.Ile3689Thr)

Gene: TTN (titin; minus strand). Cytogenetic location: 2q31.2.
Variant type: single nucleotide variant.
Coding change: c.11066T>C on transcript NM_001267550.2 (MANE Select); coding-DNA position 11066, T replaced by C.
Protein change: p.Ile3689Thr; replaces isoleucine 3689 with threonine.
Molecular consequence: missense variant. On other transcripts: intron variant (5).
Genome position (GRCh38, 1-based): chr2:178,756,410, A>G on the plus strand (T>C on the coding strand, the complement: TTN is on the minus strand). VCF-style: chr2-178756410-A-G. GRCh37 (hg19) VCF-style: chr2-179621137-A-G.
Other names: c.10553T>C, p.Ile3518Thr (NM_133437.4); c.10165+2574T>C (NM_003319.4); c.10540+1132T>C (NM_133432.3); c.10303+2574T>C (NM_133378.4, NM_001256850.1, NM_133379.5); short protein forms I3689T, I3518T.
Identifiers: ClinVar variation 535111 (VCV000535111.37), dbSNP rs527924868, ClinGen allele CA2003996.
Genomic context (GRCh38, chr2:178,756,410, plus strand): 5'-GATTGTTTCAGTCTCTCGGATTCCTCTATCTTTGCACCTTCGTGAGTCCAGGTTACATCA[A>G]TGAAAGAATCATCTTTTAAAACACAGAGGAATTGAGCCGTGTCACCGCACTTTACAGTGA-3'
Protein context (NP_001254479.2, residues 3679-3699): FLCVLKDDSF[Ile3689Thr]DVTWTHEGAK